The following is an entry in ClinVar:

ClinVar aggregate classification (germline): Uncertain significance (1 of 4 stars; one submission).

Conditions:
Atrial fibrillation, familial, 14 (ATFB14). Identifiers: MedGen C3809312, MONDO:0014156, OMIM 615378.

Allele frequency attached by ClinVar (database versions not stated): gnomAD exomes below 0.00001.
gnomAD v4.1: 3 of 1,614,166 alleles (0.00019%); highest among the groups gnomAD compares: Non-Finnish European, 0.000085%; no homozygotes.

Submission:

Labcorp Genetics (formerly Invitae), Labcorp
Classification: Uncertain significance for Atrial fibrillation, familial, 14. Last evaluated: 2020-12-25. Review status: criteria provided, single submitter. Criteria: Invitae Variant Classification Sherloc (09022015). Collection method: clinical testing. Allele origin: germline.
Comment: In summary, the available evidence is currently insufficient to determine the role of this variant in disease. Therefore, it has been classified as a Variant of Uncertain Significance. Algorithms developed to predict the effect of sequence changes on RNA splicing suggest that this variant may create or strengthen a splice site, but this prediction has not been confirmed by published transcriptional studies. Algorithms developed to predict the effect of missense changes on protein structure and function are either unavailable or do not agree on the potential impact of this missense change (SIFT: "Tolerated"; PolyPhen-2: "Probably Damaging"; Align-GVGD: "Class C0"). This variant has not been reported in the literature in individuals with SCN2B-related conditions. This variant is not present in population databases (ExAC no frequency). This sequence change replaces asparagine with serine at codon 42 of the SCN2B protein (p.Asn42Ser). The asparagine residue is highly conserved and there is a small physicochemical difference between asparagine and serine.

NM_004588.5(SCN2B):c.125A>G (p.Asn42Ser)

Gene: SCN2B (sodium voltage-gated channel beta subunit 2; minus strand). Cytogenetic location: 11q23.3.
Variant type: single nucleotide variant.
Coding change: c.125A>G on transcript NM_004588.5 (MANE Select); coding-DNA position 125, A replaced by G.
Protein change: p.Asn42Ser; replaces asparagine 42 with serine.
Molecular consequence: missense variant.
Genome position (GRCh38, 1-based): chr11:118,168,697, T>C on the plus strand (A>G on the coding strand, the complement: SCN2B is on the minus strand). VCF-style: chr11-118168697-T-C. GRCh37 (hg19) VCF-style: chr11-118039412-T-C.
Other names: short protein forms N42S.
Identifiers: ClinVar variation 1445540 (VCV001445540.8), dbSNP rs2135518443, ClinGen allele CA382769122.
Genomic context (GRCh38, chr11:118,168,697, plus strand): 5'-TGTTTGTGGTTCACTGTGTAGCAGGAGTTGAAGGTGCAGGGCAGGCGGGCGTCAGAGCCA[T>C]TGAGGACGTTGAGGGTGGCAGGTACTGTGACCTCCATGCTCCGTCCTGGTGGCACTGCAG-3'
Protein context (NP_004579.1, residues 32-52): VTVPATLNVL[Asn42Ser]GSDARLPCTF